The following is an entry in ClinVar:

ClinVar aggregate classification (germline): Uncertain significance (1 of 4 stars; one submission).

Conditions:
Familial hemophagocytic lymphohistiocytosis 3 (FHL3). Also called: UNC13D-Related Familial Hemophagocytic Lymphohistiocytosis (UNC13D-fHLH). Identifiers: Orphanet 540, MedGen C1837174, MONDO:0012146, OMIM 608898.

Allele frequency attached by ClinVar (database versions not stated): ExAC 0.00001; gnomAD 0.00001; ESP Exome Variant Server 0.00008.

Submission:

Labcorp Genetics (formerly Invitae), Labcorp
Classification: Uncertain significance for Familial hemophagocytic lymphohistiocytosis 3. Last evaluated: 2021-12-24. Review status: criteria provided, single submitter. Criteria: Invitae Variant Classification Sherloc (09022015). Collection method: clinical testing. Allele origin: germline.
Comment: This sequence change replaces glutamic acid, which is acidic and polar, with lysine, which is basic and polar, at codon 312 of the UNC13D protein (p.Glu312Lys). This variant is present in population databases (rs369299747, gnomAD 0.005%). This variant has not been reported in the literature in individuals affected with UNC13D-related conditions. Algorithms developed to predict the effect of missense changes on protein structure and function are either unavailable or do not agree on the potential impact of this missense change (SIFT: "Not Available"; PolyPhen-2: "Possibly Damaging"; Align-GVGD: "Not Available"). In summary, the available evidence is currently insufficient to determine the role of this variant in disease. Therefore, it has been classified as a Variant of Uncertain Significance.

NM_199242.3(UNC13D):c.934G>A (p.Glu312Lys)

Gene: UNC13D (unc-13 homolog D; minus strand). Cytogenetic location: 17q25.1.
Variant type: single nucleotide variant.
Coding change: c.934G>A on transcript NM_199242.3 (MANE Select); coding-DNA position 934, G replaced by A.
Protein change: p.Glu312Lys; replaces glutamic acid 312 with lysine.
Molecular consequence: missense variant.
Genome position (GRCh38, 1-based): chr17:75,840,035, C>T on the plus strand (G>A on the coding strand, the complement: UNC13D is on the minus strand). VCF-style: chr17-75840035-C-T. GRCh37 (hg19) VCF-style: chr17-73836116-C-T.
Other names: short protein forms E312K.
Identifiers: ClinVar variation 2042182 (VCV002042182.1), dbSNP rs369299747, ClinGen allele CA8773206.